The following is an entry in ClinVar:

NM_152703.5(SAMD9L):c.4201C>T (p.Gln1401Ter)

Gene: SAMD9L (sterile alpha motif domain containing 9 like; minus strand). Cytogenetic location: 7q21.2.
Variant type: single nucleotide variant.
Coding change: c.4201C>T on transcript NM_152703.5 (MANE Select); coding-DNA position 4201, C replaced by T.
Protein change: p.Gln1401Ter; replaces glutamine 1401 with a stop codon.
Molecular consequence: nonsense.
Genome position (GRCh38, 1-based): chr7:93,131,771, G>A on the plus strand (C>T on the coding strand, the complement: SAMD9L is on the minus strand). VCF-style: chr7-93131771-G-A. GRCh37 (hg19) VCF-style: chr7-92761084-G-A.
Other names: c.4201C>T, p.Gln1401Ter (NM_001303496.3, NM_001303497.3, NM_001303498.3 and 5 more transcripts); short protein forms Q1401*.
Identifiers: ClinVar variation 3364304 (VCV003364304.2).
Genomic context (GRCh38, chr7:93,131,771, plus strand): 5'-GACTTAGTCCTACAAATTGCAAGACCTCTCGGAGTTGTTTTTTTAGCGTGGTAAGTGGTT[G>A]AATTAACTTGGAGTTGGGCTTTAGACAACTCAGAATAATGTTGGCCAAAATGGAATTTTG-3'

ClinVar aggregate classification (germline): Uncertain significance. Review status: criteria provided, multiple submitters, no conflicts (2 of 4 stars). 2 submissions from 2 submitters: Uncertain significance (2). Last evaluated 2025-04-17.

gnomAD v4.1: 4 of 1,613,494 alleles (0.00025%); highest among the groups gnomAD compares: African/African-American, 0.0013%; no homozygotes.

Submissions (2):

Labcorp Genetics (formerly Invitae), Labcorp
Classification: Uncertain significance. Last evaluated: 2025-04-17. Review status: criteria provided, single submitter. Criteria: Invitae Variant Classification Sherloc (09022015). Collection method: clinical testing. Allele origin: germline.
Comment: This sequence change creates a premature translational stop signal (p.Gln1401*) in the SAMD9L gene. While this is not anticipated to result in nonsense mediated decay, it is expected to disrupt the last 184 amino acid(s) of the SAMD9L protein. This variant is present in population databases (rs747489625, gnomAD 0.0009%). This variant has not been reported in the literature in individuals affected with SAMD9L-related conditions. ClinVar contains an entry for this variant (Variation ID: 3364304). Experimental studies and prediction algorithms are not available or were not evaluated, and the functional significance of this variant is currently unknown. In summary, the available evidence is currently insufficient to determine the role of this variant in disease. Therefore, it has been classified as a Variant of Uncertain Significance.

GeneDx
Classification: Uncertain significance. Last evaluated: 2023-11-13. Review status: criteria provided, single submitter. Criteria: GeneDx Variant Classification Process June 2021. Collection method: clinical testing. Allele origin: germline. Affected: yes.
Comment: Nonsense variant predicted to result in protein truncation in a gene or region of a gene for which loss of function is not a well-established mechanism of disease; Not observed at significant frequency in large population cohorts (gnomAD); Has not been previously published as pathogenic or benign to our knowledge